The following is an entry in ClinVar:

ClinVar aggregate classification (germline): Uncertain significance (1 of 4 stars; one submission).

gnomAD v4.1: 7 of 1,611,518 alleles (0.00043%); highest among the groups gnomAD compares: African/African-American, 0.0053%; no homozygotes.

Submission:

Labcorp Genetics (formerly Invitae), Labcorp
Classification: Uncertain significance. Last evaluated: 2025-10-06. Review status: criteria provided, single submitter. Criteria: Invitae Variant Classification Sherloc (09022015). Collection method: clinical testing. Allele origin: germline.
Comment: This sequence change replaces histidine, which is basic and polar, with tyrosine, which is neutral and polar, at codon 81 of the IL12RB2 protein (p.His81Tyr). This variant is not present in population databases (gnomAD no frequency). This variant has not been reported in the literature in individuals affected with IL12RB2-related conditions. ClinVar contains an entry for this variant (Variation ID: 3697786). An algorithm developed to predict the effect of missense changes on protein structure and function (PolyPhen-2) suggests that this variant is likely to be tolerated. In summary, the available evidence is currently insufficient to determine the role of this variant in disease. Therefore, it has been classified as a Variant of Uncertain Significance.

NM_001374259.2(IL12RB2):c.241C>T (p.His81Tyr)

Gene: IL12RB2 (interleukin 12 receptor subunit beta 2; plus strand). Cytogenetic location: 1p31.3.
Variant type: single nucleotide variant.
Coding change: c.241C>T on transcript NM_001374259.2 (MANE Select); coding-DNA position 241, C replaced by T.
Protein change: p.His81Tyr; replaces histidine 81 with tyrosine.
Molecular consequence: missense variant. On other transcripts: non-coding transcript variant (2).
Genome position (GRCh38, 1-based): chr1:67,321,766, C>T. VCF-style: chr1-67321766-C-T. GRCh37 (hg19) VCF-style: chr1-67787449-C-T.
Other names: c.241C>T, p.His81Tyr (NM_001258214.1, NM_001258215.1, NM_001258216.1 and 2 more transcripts); short protein forms H81Y.
Identifiers: ClinVar variation 3697786 (VCV003697786.2).
Genomic context (GRCh38, chr1:67,321,766, plus strand): 5'-CACTATTCCAGACGTAACAAGTTAATCCTGTACAAGTTTGACAGAAGAATCAATTTTCAC[C>T]ATGGCCACTCCCTCAATTCTCAAGTCACAGGTCTTCCCCTTGGTACAACCTTGTTTGTCT-3'
Protein context (NP_001361188.1, residues 71-91): YKFDRRINFH[His81Tyr]GHSLNSQVTG